The following is an entry in ClinVar:

ClinVar aggregate classification (germline): Uncertain significance (0 of 4 stars; one submission).

Conditions:
MKS1-related disorder. Also called: MKS1-related condition; MKS1-related disorders. Identifiers: MedGen CN239382.

gnomAD v4.1: 4 of 1,613,892 alleles (0.00025%); highest among the groups gnomAD compares: Non-Finnish European, 0.00025%; no homozygotes.

Submission:

PreventionGenetics, part of Exact Sciences
Classification: Uncertain significance for MKS1-related condition. Last evaluated: 2024-02-19. Review status: no assertion criteria provided. Collection method: clinical testing. Allele origin: germline.
Comment: The MKS1 c.1543C>G variant is predicted to result in the amino acid substitution p.Arg515Gly. To our knowledge, this variant has not been reported in the literature or in a large population database, indicating this variant is rare. At this time, the clinical significance of this variant is uncertain due to the absence of conclusive functional and genetic evidence.

NM_017777.4(MKS1):c.1543C>G (p.Arg515Gly)

Gene: MKS1 (MKS transition zone complex subunit 1; minus strand). Cytogenetic location: 17q22.
Variant type: single nucleotide variant.
Coding change: c.1543C>G on transcript NM_017777.4 (MANE Select); coding-DNA position 1543, C replaced by G.
Protein change: p.Arg515Gly; replaces arginine 515 with glycine.
Molecular consequence: missense variant. On other transcripts: synonymous variant (1).
Genome position (GRCh38, 1-based): chr17:58,206,328, G>C on the plus strand (C>G on the coding strand, the complement: MKS1 is on the minus strand). VCF-style: chr17-58206328-G-C. GRCh37 (hg19) VCF-style: chr17-56283689-G-C.
Other names: c.934C>G, p.Arg312Gly (NM_001321268.2); c.1460C>G, p.Pro487Arg (NM_001321269.2); c.1326C>G, p.Thr442= (NM_001330397.2); short protein forms P487R, R312G, R515G.
Identifiers: ClinVar variation 3349288 (VCV003349288.1).